The following is an entry in ClinVar:

NM_013382.7(POMT2):c.745A>G (p.Ile249Val)

Gene: POMT2 (protein O-mannosyltransferase 2; minus strand). Cytogenetic location: 14q24.3.
Variant type: single nucleotide variant.
Coding change: c.745A>G on transcript NM_013382.7 (MANE Select); coding-DNA position 745, A replaced by G.
Protein change: p.Ile249Val; replaces isoleucine 249 with valine.
Molecular consequence: missense variant.
Genome position (GRCh38, 1-based): chr14:77,301,161, T>C on the plus strand (A>G on the coding strand, the complement: POMT2 is on the minus strand). VCF-style: chr14-77301161-T-C. GRCh37 (hg19) VCF-style: chr14-77767504-T-C.
Other names: short protein forms I249V.
Identifiers: ClinVar variation 970746 (VCV000970746.4), dbSNP rs1337866102, ClinGen allele CA390520224.

ClinVar aggregate classification (germline): Uncertain significance. Review status: criteria provided, multiple submitters, no conflicts (2 of 4 stars). 3 submissions from 3 submitters: Uncertain significance (3). Last evaluated 2026-04-13.

Conditions:
Muscular dystrophy-dystroglycanopathy (congenital with brain and eye anomalies), type A2. Also called: MUSCULAR DYSTROPHY-DYSTROGLYCANOPATHY (CONGENITAL WITH BRAIN AND EYE ANOMALIES), TYPE A, 2; WALKER-WARBURG SYNDROME OR MUSCLE-EYE-BRAIN DISEASE, POMT2-RELATED. Identifiers: Orphanet 588, Orphanet 899, MedGen C3150411, MONDO:0013154, OMIM 613150.
Muscular dystrophy-dystroglycanopathy (congenital with impaired intellectual development), type B, 2. Also called: Muscular dystrophy-dystroglycanopathy (congenital with intellectual disability), type B2; MUSCULAR DYSTROPHY, CONGENITAL, POMT2-RELATED. Identifiers: MedGen C3150416, MONDO:0013160, OMIM 613156.
Autosomal recessive limb-girdle muscular dystrophy type 2N. Also called: Muscular dystrophy-dystroglycanopathy (limb-girdle), type C, 2; MUSCULAR DYSTROPHY-DYSTROGLYCANOPATHY, LIMB-GIRDLE, POMT2-RELATED. Identifiers: Orphanet 206559, MedGen C3150418, MONDO:0013162, OMIM 613158.
Inborn genetic diseases. Identifiers: MedGen C0950123, MeSH D030342.

Submissions (3):

GeneDx
Classification: Uncertain significance. Last evaluated: 2026-04-13. Review status: criteria provided, single submitter. Criteria: GeneDx Variant Classification Process June 2021. Collection method: clinical testing. Allele origin: germline.
Comment: Not observed at significant frequency in large population cohorts (gnomAD); In silico analysis suggests that this missense variant does not alter protein structure/function; Has not been previously published as pathogenic or benign to our knowledge; This variant is associated with the following publications: (PMID: 17923109)

Ambry Genetics
Classification: Uncertain significance for Inborn genetic diseases. Last evaluated: 2023-05-09. Review status: criteria provided, single submitter. Criteria: Ambry Variant Classification Scheme 2023. Collection method: clinical testing. Allele origin: germline.

Labcorp Genetics (formerly Invitae), Labcorp
Classification: Uncertain significance for Congenital muscular dystrophy-dystroglycanopathy with mental retardation, type B2; Congenital muscular dystrophy-dystroglycanopathy with brain and eye anomalies, type A2; Limb-girdle muscular dystrophy-dystroglycanopathy, type C2. Last evaluated: 2019-10-29. Review status: criteria provided, single submitter. Criteria: Invitae Variant Classification Sherloc (09022015). Collection method: clinical testing. Allele origin: germline.
Comment: This sequence change replaces isoleucine with valine at codon 249 of the POMT2 protein (p.Ile249Val). The isoleucine residue is moderately conserved and there is a small physicochemical difference between isoleucine and valine. This variant is not present in population databases (ExAC no frequency). This variant has not been reported in the literature in individuals with POMT2-related conditions. Algorithms developed to predict the effect of missense changes on protein structure and function output the following: SIFT: "Tolerated"; PolyPhen-2: "Benign"; Align-GVGD: "Class C0". The valine amino acid residue is found in multiple mammalian species, suggesting that this missense change does not adversely affect protein function. These predictions have not been confirmed by published functional studies and their clinical significance is uncertain. In summary, the available evidence is currently insufficient to determine the role of this variant in disease. Therefore, it has been classified as a Variant of Uncertain Significance.